The following is an entry in ClinVar:

ClinVar aggregate classification (germline): Conflicting classifications of pathogenicity. Review status: criteria provided, conflicting classifications (1 of 4 stars). 13 submissions from 12 submitters: Uncertain significance (8); Benign (1); Likely benign (2). 2 of the submissions do not count toward it. Last evaluated 2026-04-25.

Conditions:
Hereditary cancer. Identifiers: MedGen C1333600.
MET-related disorder. Also called: MET-related condition.
Renal cell carcinoma. Identifiers: Orphanet 217071, MedGen C0007134, MeSH D002292, MONDO:0005086, HP:0005584.
Osteofibrous dysplasia (OSFD). Also called: Tibia, bowing of, with pseudarthrosis and pectus excavatum. Identifiers: Orphanet 488265, MedGen C4085248, MONDO:0011806, OMIM 607278.
Autosomal recessive nonsyndromic hearing loss 97. Also called: Deafness, autosomal recessive 97. Identifiers: Orphanet 90636, MedGen C4084709, MONDO:0014739, OMIM 616705.
Hereditary cancer-predisposing syndrome. Also called: Neoplastic Syndromes, Hereditary; Tumor predisposition; Hereditary Cancer Syndrome; Hereditary neoplastic syndrome. Identifiers: Orphanet 140162, MedGen C0027672, MeSH D009386, MONDO:0015356.

Allele frequency attached by ClinVar (database versions not stated): gnomAD 0.00008 and 0.00009; TOPMed 0.00008; ExAC 0.00011; gnomAD exomes 0.00012.
gnomAD v4.1: 183 of 1,613,620 alleles (0.011%); highest among the groups gnomAD compares: Admixed American, 0.048%; no homozygotes.

Submissions (13):

PreventionGenetics, part of Exact Sciences
Classification: Uncertain significance for MET-related condition. Last evaluated: 2026-04-25. Review status: criteria provided, single submitter. Criteria: ACMG Guidelines, 2015. Collection method: clinical testing. Allele origin: germline.
Comment: The MET c.2372C>T variant is predicted to result in the amino acid substitution p.Pro791Leu. This variant has been reported in an individual with a personal and family history of gastric cancer (Figure 1, Kim et al. 2003. PubMed ID: 12920089). This variant is reported in 0.055% of alleles in individuals of Latino descent in gnomAD and has interpretations ranging from uncertain significance to benign in ClinVar (Variation ID: 411912). Although we suspect that this variant may be benign, at this time, the clinical significance of this variant is uncertain due to the absence of conclusive functional and genetic evidence.

Labcorp Genetics (formerly Invitae), Labcorp
Classification: Uncertain significance for Renal cell carcinoma. Last evaluated: 2026-01-28. Review status: criteria provided, single submitter. Criteria: Invitae Variant Classification Sherloc (09022015). Collection method: clinical testing. Allele origin: germline.
Comment: This sequence change replaces proline, which is neutral and non-polar, with leucine, which is neutral and non-polar, at codon 791 of the MET protein (p.Pro791Leu). This variant is present in population databases (rs771333219, gnomAD 0.05%). This missense change has been observed in individual(s) with gastric cancer (PMID: 12920089). ClinVar contains an entry for this variant (Variation ID: 411912). An algorithm developed to predict the effect of missense changes on protein structure and function outputs the following: PolyPhen-2: "Benign". The leucine amino acid residue is found in multiple mammalian species, which suggests that this missense change does not adversely affect protein function. In summary, the available evidence is currently insufficient to determine the role of this variant in disease. Therefore, it has been classified as a Variant of Uncertain Significance.

GeneDx
Classification: Uncertain significance. Last evaluated: 2025-03-11. Review status: criteria provided, single submitter. Criteria: GeneDx Variant Classification Process June 2021. Collection method: clinical testing. Allele origin: germline. Affected: yes.
Comment: Observed in an individual with familial gastric cancer (PMID: 12920089); In silico analysis supports that this missense variant has a deleterious effect on protein structure/function; This variant is associated with the following publications: (PMID: 16000876, 31023376, 12920089, 35977101)

Blueprint Genetics
Classification: Likely benign. Last evaluated: 2024-09-16. Review status: criteria provided, single submitter. Criteria: ACMG Guidelines, 2015. Collection method: clinical testing. Allele origin: germline.

Quest Diagnostics Nichols Institute San Juan Capistrano
Classification: Uncertain significance. Last evaluated: 2024-08-31. Review status: criteria provided, single submitter. Criteria: Quest Diagnostics criteria. Collection method: clinical testing. Allele origin: unknown.
Comment: The MET c.2372C>T (p.Pro791Leu) variant has been reported in the published literature in a family affected with gastric cancer (PMID: 12920089 (2003)). The frequency of this variant in the general population, 0.00055 (19/34426 chromosomes in Admixed American subpopulation (Genome Aggregation Database)), is higher than would generally be expected for pathogenic variants in this gene. Analysis of this variant using bioinformatics tools for the prediction of the effect of amino acid changes on protein structure and function yielded predictions that this variant is benign. Based on the available information, we are unable to determine the clinical significance of this variant.

Baylor Genetics
Classification: Uncertain significance for Autosomal recessive nonsyndromic hearing loss 97. Last evaluated: 2024-02-29. Review status: criteria provided, single submitter. Criteria: ACMG Guidelines, 2015. Collection method: clinical testing. Allele origin: unknown.

Mendelics
Classification: Likely benign for Hereditary cancer. Last evaluated: 2024-01-23. Review status: criteria provided, single submitter. Criteria: ACMG Guidelines, 2015. Collection method: clinical testing. Allele origin: unknown.

Revvity Omics, Revvity
Classification: Uncertain significance. Last evaluated: 2023-10-20. Review status: criteria provided, single submitter. Criteria: ACMG Guidelines, 2015. Collection method: clinical testing. Allele origin: germline.

Ambry Genetics
Classification: Benign for Hereditary cancer-predisposing syndrome. Last evaluated: 2022-11-18. Review status: criteria provided, single submitter. Criteria: Ambry Variant Classification Scheme 2023. Collection method: clinical testing. Allele origin: germline.

ARUP Laboratories, Molecular Genetics and Genomics, ARUP Laboratories
Classification: Uncertain significance. Last evaluated: 2022-03-09. Review status: criteria provided, single submitter. Criteria: ARUP Molecular Germline Variant Investigation Process 2021. Collection method: clinical testing. Allele origin: germline.
Comment: The MET c.2372C>T; p.Pro791Leu variant (rs771333219) is reported in the literature in an individual affected with familial gastric cancer (Kim 2003). This variant is reported in ClinVar (Variation ID: 411912) and is found in the Latino population with an allele frequency of 0.06% (19/34426 alleles) in the Genome Aggregation Database. The proline at codon 791 is highly conserved, and computational analyses are uncertain whether this variant is neutral or deleterious (REVEL: 0.303). However, given the lack of clinical and functional data, the significance of the p.Pro791Leu variant is uncertain at this time. References: Kim IJ et al. A novel germline mutation in the MET extracellular domain in a Korean patient with the diffuse type of familial gastric cancer. J Med Genet. 2003 Aug;40(8):e97. PMID: 12920089.

Baylor Genetics
Classification: Uncertain significance for Osteofibrous dysplasia. Last evaluated: 2020-02-23. Review status: criteria provided, single submitter. Criteria: ACMG Guidelines, 2015. Collection method: clinical testing. Allele origin: unknown. Affected: yes. Study: CSER-TexasKidsCanSeq.
Comment: This variant was determined to be of uncertain significance according to ACMG Guidelines, 2015 [PMID:25741868].

Clinical Genetics DNA and cytogenetics Diagnostics Lab, Erasmus MC, Erasmus Medical Center
Classification: Likely benign. Review status: no assertion criteria provided. Collection method: clinical testing. Allele origin: germline. Affected: yes. Study: VKGL Data-share Consensus. Not counted in ClinVar's aggregate classification.

Genome Diagnostics Laboratory, Amsterdam University Medical Center
Classification: Likely benign. Review status: no assertion criteria provided. Collection method: clinical testing. Allele origin: germline. Affected: yes. Study: VKGL Data-share Consensus. Not counted in ClinVar's aggregate classification.

Literature cited by the submitters: PubMed 12920089 (cited by Labcorp Genetics (formerly Invitae), Labcorp and Quest Diagnostics Nichols Institute San Juan Capistrano).

NM_000245.4(MET):c.2318C>T (p.Pro773Leu)

Gene: MET (MET proto-oncogene, receptor tyrosine kinase; plus strand). Cytogenetic location: 7q31.2.
Variant type: single nucleotide variant.
Coding change: c.2318C>T on transcript NM_000245.4 (MANE Select); coding-DNA position 2318, C replaced by T.
Protein change: p.Pro773Leu; replaces proline 773 with leucine.
Molecular consequence: missense variant.
Genome position (GRCh38, 1-based): chr7:116,759,444, C>T. VCF-style: chr7-116759444-C-T. GRCh37 (hg19) VCF-style: chr7-116399498-C-T.
Other names: c.2372C>T, p.Pro791Leu (NM_001127500.3); c.2318C>T, p.Pro773Leu (NM_001324401.3); c.1028C>T, p.Pro343Leu (NM_001324402.2); short protein forms P791L, P343L, P773L.
Identifiers: ClinVar variation 411912 (VCV000411912.36), dbSNP rs771333219, ClinGen allele CA4448450.
Genomic context (GRCh38, chr7:116,759,444, plus strand): 5'-TTGCCAGTGGTGGGAGCACAATAACAGGTGTTGGGAAAAACCTGAATTCAGTTAGTGTCC[C>T]GAGAATGGTCATAAATGTGCATGAAGCAGGAAGGAACTTTACAGTGGTAAGTCCTTTGAG-3'
Protein context (NP_000236.2, residues 763-783): VGKNLNSVSV[Pro773Leu]RMVINVHEAG